The following is an entry in ClinVar:

ClinVar aggregate classification (germline): Uncertain significance (1 of 4 stars; one submission).

Conditions:
Hereditary pancreatitis (PCTT). Also called: Hereditary chronic pancreatitis; PRSS1-Related Hereditary Pancreatitis. Identifiers: Orphanet 676, MedGen C0238339, MONDO:0008185, OMIM 167800.

Allele frequency attached by ClinVar (database versions not stated): gnomAD 0.00007.

Submission:

Ambry Genetics
Classification: Uncertain significance for Hereditary pancreatitis. Last evaluated: 2024-11-01. Review status: criteria provided, single submitter. Criteria: Ambry Variant Classification Scheme 2023. Collection method: clinical testing. Allele origin: germline.
Comment: The p.D194V variant (also known as c.581A>T), located in coding exon 4 of the PRSS1 gene, results from an A to T substitution at nucleotide position 581. The aspartic acid at codon 194 is replaced by valine, an amino acid with highly dissimilar properties. This amino acid position is highly conserved in available vertebrate species. In addition, this alteration is predicted to be deleterious by in silico analysis. Since supporting evidence is limited at this time, the clinical significance of this alteration remains unclear.

NM_002769.5(PRSS1):c.581A>T (p.Asp194Val)

Genes: TRB (T cell receptor beta locus; plus strand), PRSS1 (serine protease 1; plus strand). Cytogenetic location: 7q34.
Variant type: single nucleotide variant.
Coding change: c.581A>T on transcript NM_002769.5 (MANE Select); coding-DNA position 581, A replaced by T.
Protein change: p.Asp194Val; replaces aspartic acid 194 with valine.
Molecular consequence: missense variant. On other transcripts: non-coding transcript variant (5).
Genome position (GRCh38, 1-based): chr7:142,752,557, A>T. VCF-style: chr7-142752557-A-T. GRCh37 (hg19) VCF-style: chr7-142460408-A-T.
Other names: short protein forms D194V.
Identifiers: ClinVar variation 1749879 (VCV001749879.3), dbSNP rs1217657614, ClinGen allele CA369610476.
Genomic context (GRCh38, chr7:142,752,557, plus strand): 5'-CCTACCCTGGAAAGATTACCAGCAACATGTTCTGTGTGGGCTTCCTTGAGGGAGGCAAGG[A>T]TTCATGTCAGGTGATTTGACCAACCCTTCCCATGCTGAGGCTCCCACTGATACCTAGGCC-3'
Protein context (NP_002760.1, residues 184-204): FCVGFLEGGK[Asp194Val]SCQGDSGGPV